The following is an entry in ClinVar:

ClinVar aggregate classification (germline): Uncertain significance (1 of 4 stars; one submission).

gnomAD v4.1: 1 of 1,614,142 alleles (0.000062%); highest among the groups gnomAD compares: Non-Finnish European, 0.000085%; no homozygotes.

Submission:

GeneDx
Classification: Uncertain significance. Last evaluated: 2025-06-10. Review status: criteria provided, single submitter. Criteria: GeneDx Variant Classification Process June 2021. Collection method: clinical testing. Allele origin: germline. Affected: yes.
Comment: Not observed at significant frequency in large population cohorts (gnomAD); In silico analysis suggests that this missense variant does not alter protein structure/function; Has not been previously published as pathogenic or benign to our knowledge

NM_000814.6(GABRB3):c.304A>C (p.Ile102Leu)

Gene: GABRB3 (gamma-aminobutyric acid type A receptor subunit beta3; minus strand). Cytogenetic location: 15q12.
Variant type: single nucleotide variant.
Coding change: c.304A>C on transcript NM_000814.6 (MANE Select); coding-DNA position 304, A replaced by C.
Protein change: p.Ile102Leu; replaces isoleucine 102 with leucine.
Molecular consequence: missense variant. On other transcripts: non-coding transcript variant (1).
Genome position (GRCh38, 1-based): chr15:26,621,471, T>G on the plus strand (A>C on the coding strand, the complement: GABRB3 is on the minus strand). VCF-style: chr15-26621471-T-G. GRCh37 (hg19) VCF-style: chr15-26866618-T-G.
Other names: c.49A>C, p.Ile17Leu (NM_001191320.2, NM_001278631.2); c.91A>C, p.Ile31Leu (NM_001191321.3); c.304A>C, p.Ile102Leu (NM_021912.5); short protein forms I102L, I17L, I31L.
Identifiers: ClinVar variation 4538181 (VCV004538181.1).